The following is an entry in ClinVar:

ClinVar aggregate classification (germline): Likely benign (1 of 4 stars; one submission).

Conditions:
Mitochondrial complex IV deficiency, nuclear type 1 (MC4DN1). Also called: Mitochondrial complex IV deficiency; Complex 4 mitochondrial respiratory chain deficiency; Deficiency of mitochondrial respiratory chain complex4; Complex IV deficiency; COX DEFICIENCY. Identifiers: MedGen C5435656, MONDO:0700250, OMIM 220110. Disease mechanism: loss of function.

Allele frequency attached by ClinVar (database versions not stated): gnomAD 0.03496 and 0.03510; TOPMed 0.03688; 1000 Genomes Project 30x 0.04247; 1000 Genomes Project 0.04333.
gnomAD v4.1: 5,340 of 152,270 alleles (3.5%); highest among the groups gnomAD compares: East Asian, 5.7%; 129 homozygotes.

Submission:

Illumina Laboratory Services, Illumina
Classification: Likely benign for Mitochondrial complex IV deficiency, nuclear type 1. Last evaluated: 2018-01-12. Review status: criteria provided, single submitter. Criteria: ICSL Variant Classification Criteria 13 December 2019. Collection method: clinical testing. Allele origin: germline.
Comment: This variant was observed in the ICSL laboratory as part of a predisposition screen in an ostensibly healthy population. It had not been previously curated by ICSL or reported in the Human Gene Mutation Database (HGMD: prior to June 1st, 2018), and was therefore a candidate for classification through an automated scoring system. Utilizing variant allele frequency, disease prevalence and penetrance estimates, and inheritance mode, an automated score was calculated to assess if this variant is too frequent to cause the disease. Based on the score and internal cut-off values, a variant classified as likely benign is not then subjected to further curation. The score for this variant resulted in a classification of likely benign for this disease.

NM_001136193.2(FASTKD2):c.*4009G>A

Gene: FASTKD2 (FAST kinase domains 2; plus strand). Cytogenetic location: 2q33.3.
Variant type: single nucleotide variant.
Coding change: c.*4009G>A on transcript NM_001136193.2 (MANE Select); 4009 bases downstream of the stop codon, G replaced by A.
Molecular consequence: 3 prime UTR variant.
Genome position (GRCh38, 1-based): chr2:206,795,811, G>A. VCF-style: chr2-206795811-G-A. GRCh37 (hg19) VCF-style: chr2-207660535-G-A.
Other names: c.*4009G>A (NM_001136194.2, NM_014929.4).
Identifiers: ClinVar variation 898274 (VCV000898274.4), dbSNP rs75079512, ClinGen allele CA63735631.
Genomic context (GRCh38, chr2:206,795,811, plus strand): 5'-GAGCATTTTATTTTTCTAGAAGAGCAATAACAGAGACCCCAGGGTGTGGTGTGGCAGGAC[G>A]AGGAGCATCCATTTTGCTGGTGGGGATTGTGGCTAAAATAATGTGGCTCTGGAGCCAGCA-3'